The following is an entry in ClinVar:

NM_005419.4(STAT2):c.1261C>T (p.Pro421Ser)

Gene: STAT2 (signal transducer and activator of transcription 2; minus strand). Cytogenetic location: 12q13.3.
Variant type: single nucleotide variant.
Coding change: c.1261C>T on transcript NM_005419.4 (MANE Select); coding-DNA position 1261, C replaced by T.
Protein change: p.Pro421Ser; replaces proline 421 with serine.
Molecular consequence: missense variant.
Genome position (GRCh38, 1-based): chr12:56,349,506, G>A on the plus strand (C>T on the coding strand, the complement: STAT2 is on the minus strand). VCF-style: chr12-56349506-G-A. GRCh37 (hg19) VCF-style: chr12-56743290-G-A.
Other names: c.1261C>T (NM_005419.3); c.1228C>T, p.Pro410Ser (NM_001385110.1); c.1261C>T, p.Pro421Ser (NM_001385111.1, NM_001385113.1); c.1240C>T, p.Pro414Ser (NM_001385114.1); c.1249C>T, p.Pro417Ser (NM_001385115.1, NM_198332.2); short protein forms P417S, P421S, P410S, P414S.
Identifiers: ClinVar variation 2068631 (VCV002068631.5), dbSNP rs1878102120, ClinGen allele CA385261406.

ClinVar aggregate classification (germline): Uncertain significance. Review status: criteria provided, multiple submitters, no conflicts (2 of 4 stars). 2 submissions from 2 submitters: Uncertain significance (2). Last evaluated 2024-06-25.

Conditions:
Inborn genetic diseases. Identifiers: MedGen C0950123, MeSH D030342.
Primary immunodeficiency with post-measles-mumps-rubella vaccine viral infection. Also called: Immunodeficiency 44. Identifiers: Orphanet 431166, MedGen C4225260, MONDO:0014715, OMIM 616636.

Allele frequency attached by ClinVar (database versions not stated): gnomAD exomes below 0.00001.
gnomAD v4.1: 3 of 1,614,136 alleles (0.00019%); highest among the groups gnomAD compares: Non-Finnish European, 0.00025%; no homozygotes.

Submissions (2):

Ambry Genetics
Classification: Uncertain significance for Inborn genetic diseases. Last evaluated: 2024-06-25. Review status: criteria provided, single submitter. Criteria: Ambry Variant Classification Scheme 2023. Collection method: clinical testing. Allele origin: germline.

Labcorp Genetics (formerly Invitae), Labcorp
Classification: Uncertain significance for Primary immunodeficiency with post-measles-mumps-rubella vaccine viral infection. Last evaluated: 2022-01-01. Review status: criteria provided, single submitter. Criteria: Invitae Variant Classification Sherloc (09022015). Collection method: clinical testing. Allele origin: germline.
Comment: This variant has not been reported in the literature in individuals affected with STAT2-related conditions. This variant is not present in population databases (gnomAD no frequency). This sequence change replaces proline, which is neutral and non-polar, with serine, which is neutral and polar, at codon 421 of the STAT2 protein (p.Pro421Ser). In summary, the available evidence is currently insufficient to determine the role of this variant in disease. Therefore, it has been classified as a Variant of Uncertain Significance. Advanced modeling of protein sequence and biophysical properties (such as structural, functional, and spatial information, amino acid conservation, physicochemical variation, residue mobility, and thermodynamic stability) performed at Invitae indicates that this missense variant is expected to disrupt STAT2 protein function.